The following is an entry in ClinVar:

NM_144670.6(A2ML1):c.1683+74A>G

Gene: A2ML1 (alpha-2-macroglobulin like 1; plus strand). Cytogenetic location: 12p13.31.
Variant type: single nucleotide variant.
Coding change: c.1683+74A>G on transcript NM_144670.6 (MANE Select); 74 bases into the intron after coding-DNA position 1683, A replaced by G.
Molecular consequence: intron variant.
Genome position (GRCh38, 1-based): chr12:8,846,296, A>G. VCF-style: chr12-8846296-A-G. GRCh37 (hg19) VCF-style: chr12-8998892-A-G.
Other names: c.210+74A>G (NM_001282424.3).
Identifiers: ClinVar variation 561557 (VCV000561557.2), dbSNP rs55906630, ClinGen allele CA13613187.

ClinVar aggregate classification (germline): Benign. Review status: criteria provided, multiple submitters, no conflicts (2 of 4 stars). 2 submissions from 2 submitters: Benign (2). Last evaluated 2018-06-19.

Allele frequency attached by ClinVar (database versions not stated): 1000 Genomes Project 0.15016; 1000 Genomes Project 30x 0.15631; gnomAD exomes 0.16129; gnomAD 0.20345 and 0.21324; TOPMed 0.20534.
gnomAD v4.1: 256,977 of 1,559,448 alleles (16%); highest among the groups gnomAD compares: African/African-American, 35%; 24,675 homozygotes.

Submissions (2):

GeneDx
Classification: Benign. Last evaluated: 2018-06-19. Review status: criteria provided, single submitter. Criteria: GeneDx Variant Classification (06012015). Collection method: clinical testing. Allele origin: germline. Affected: yes.
Comment: This variant is considered likely benign or benign based on one or more of the following criteria: it is a conservative change, it occurs at a poorly conserved position in the protein, it is predicted to be benign by multiple in silico algorithms, and/or has population frequency not consistent with disease.

Breakthrough Genomics
Classification: Benign. Review status: criteria provided, single submitter. Criteria: ACMG Guidelines, 2015. Collection method: not provided. Allele origin: germline. Inheritance: Autosomal dominant inheritance. Affected: yes.